The following is an entry in ClinVar:

ClinVar aggregate classification (germline): Uncertain significance. Review status: criteria provided, multiple submitters, no conflicts (2 of 4 stars). 2 submissions from 2 submitters: Uncertain significance (2). Last evaluated 2024-11-25.

Conditions:
Parkinsonism-dystonia, infantile. Identifiers: Orphanet 238455, MedGen C2751067, MONDO:0013150.
Inborn genetic diseases. Identifiers: MedGen C0950123, MeSH D030342.

Allele frequency attached by ClinVar (database versions not stated): gnomAD 0.00001; TOPMed 0.00001; gnomAD exomes 0.00002.
gnomAD v4.1: 38 of 1,614,118 alleles (0.0024%); highest among the groups gnomAD compares: Non-Finnish European, 0.0031%; no homozygotes.

Submissions (2):

Ambry Genetics
Classification: Uncertain significance for Inborn genetic diseases. Last evaluated: 2024-11-25. Review status: criteria provided, single submitter. Criteria: Ambry Variant Classification Scheme 2023. Collection method: clinical testing. Allele origin: germline.

Labcorp Genetics (formerly Invitae), Labcorp
Classification: Uncertain significance for Parkinsonism-dystonia, infantile. Last evaluated: 2021-11-15. Review status: criteria provided, single submitter. Criteria: Invitae Variant Classification Sherloc (09022015). Collection method: clinical testing. Allele origin: germline.
Comment: In summary, the available evidence is currently insufficient to determine the role of this variant in disease. Therefore, it has been classified as a Variant of Uncertain Significance. Algorithms developed to predict the effect of missense changes on protein structure and function (SIFT, PolyPhen-2, Align-GVGD) all suggest that this variant is likely to be tolerated. This variant has not been reported in the literature in individuals affected with SLC6A3-related conditions. This variant is not present in population databases (gnomAD no frequency). This sequence change replaces glutamic acid, which is acidic and polar, with glutamine, which is neutral and polar, at codon 28 of the SLC6A3 protein (p.Glu28Gln).

NM_001044.5(SLC6A3):c.82G>C (p.Glu28Gln)

Gene: SLC6A3 (solute carrier family 6 member 3). Cytogenetic location: 5p15.33.
Variant type: single nucleotide variant.
Coding change: c.82G>C on transcript NM_001044.5 (MANE Select); coding-DNA position 82, G replaced by C.
Protein change: p.Glu28Gln; replaces glutamic acid 28 with glutamine.
Molecular consequence: missense variant.
Genome position (GRCh38, 1-based): chr5:1,443,116, C>G on the plus strand (G>C on the coding strand, the complement: SLC6A3 is on the minus strand). VCF-style: chr5-1443116-C-G. GRCh37 (hg19) VCF-style: chr5-1443231-C-G.
Other names: c.82G>C (NM_001044.4); short protein forms E28Q.
Identifiers: ClinVar variation 1519654 (VCV001519654.7), dbSNP rs866199902, ClinGen allele CA112969971.
Genomic context (GRCh38, chr5:1,443,116, plus strand): 5'-TGAGGGTGGAGCTGGTGAGCTGCACTCCGTTCTGCTCCTTGACAAGGATGAGCTCCACCT[C>G]CTTCGGGCCCACGGCATTGGGCTCCTTAGCCGGGGCCACCACGGAAGACATGAGTCCCAC-3'
Protein context (NP_001035.1, residues 18-38): AKEPNAVGPK[Glu28Gln]VELILVKEQN